The following is an entry in ClinVar:

NM_001042492.3(NF1):c.4436dup (p.Leu1480fs)

Gene: NF1 (neurofibromin 1; plus strand). Cytogenetic location: 17q11.2.
Variant type: Duplication.
Coding change: c.4436dup on transcript NM_001042492.3 (MANE Select); coding-DNA position 4436, one base duplicated (T; older notation c.4436dupT).
Protein change: p.Leu1480fs; shifts the reading frame from leucine 1480.
Molecular consequence: frameshift variant.
Genome position (GRCh38, 1-based): chr17:31,260,374, T duplicated; the last of 5 consecutive T bases (chr17:31,260,370-31,260,374); duplicating any one gives the same sequence. VCF-style (leftmost placement, unchanged base first): chr17-31260369-G-GT. GRCh37 (hg19) VCF-style: chr17-29587387-G-GT.
Other names: c.4373dup, p.Leu1459Profs (NM_000267.4); c.4373dupT (NM_000267.3); short protein forms L1480fs, L1459fs.
Identifiers: ClinVar variation 523966 (VCV000523966.10), dbSNP rs1555618803, ClinGen allele CA658798800.

ClinVar aggregate classification (germline): Pathogenic. Review status: criteria provided, multiple submitters, no conflicts (2 of 4 stars). 6 submissions from 6 submitters: Pathogenic (6). Last evaluated 2025-03-22.

Conditions:
Neurofibromatosis, type 1 (NF1). Also called: Peripheral type neurofibromatosis; NEUROFIBROMATOSIS, TYPE I, SOMATIC; Neurofibromatosis, type I; VON RECKLINGHAUSEN DISEASE. Identifiers: Orphanet 636, MedGen C0027831, MONDO:0018975, OMIM 162200. Disease mechanism: loss of function.
NF1-related disorder. Also called: NF1-related condition. Identifiers: MedGen CN379171.
Cardiovascular phenotype. Identifiers: MedGen CN230736.
Hereditary cancer-predisposing syndrome. Also called: Hereditary neoplastic syndrome; Tumor predisposition; Neoplastic Syndromes, Hereditary; Hereditary Cancer Syndrome. Identifiers: Orphanet 140162, MedGen C0027672, MeSH D009386, MONDO:0015356.

Submissions (6):

Department of Medical Genetics, International Peace Maternity and Child Health Hospital, Shanghai Jiao Tong University School of Medicine
Classification: Pathogenic for Neurofibromatosis, type 1. Last evaluated: 2025-03-22. Review status: criteria provided, single submitter. Criteria: ACMG Guidelines, 2015. Collection method: clinical testing. Allele origin: de novo. Affected: yes.
Comment: Loss-of-function variants in NF1 are known to be pathogenic (PMID: 10712197, 23913538), so this variant has been classified as Pathogenic.

Blueprint Genetics
Classification: Pathogenic for NF1-related disorders. Last evaluated: 2024-06-26. Review status: criteria provided, single submitter. Criteria: ACMG Guidelines, 2015. Collection method: clinical testing. Allele origin: germline. Affected: yes. Observed: 1 variant allele.

GeneDx
Classification: Pathogenic. Last evaluated: 2024-06-03. Review status: criteria provided, single submitter. Criteria: GeneDx Variant Classification Process June 2021. Collection method: clinical testing. Allele origin: germline. Affected: yes.
Comment: Frameshift variant predicted to result in protein truncation or nonsense mediated decay in a gene for which loss of function is a known mechanism of disease; Not observed at significant frequency in large population cohorts (gnomAD); This variant is associated with the following publications: (PMID: 31347283)

Ambry Genetics
Classification: Pathogenic for Cardiovascular phenotype; Hereditary cancer-predisposing syndrome. Last evaluated: 2023-04-25. Review status: criteria provided, single submitter. Criteria: Ambry Variant Classification Scheme 2023. Collection method: clinical testing. Allele origin: germline.
Comment: The c.4373dupT pathogenic mutation, located in coding exon 33 of the NF1 gene, results from a duplication of T at nucleotide position 4373, causing a translational frameshift with a predicted alternate stop codon (p.L1459Pfs*2). This alteration has been observed in individuals with a personal and/or family history that is consistent with NF1-related disease (Ambry internal data) (Chen L et al. Mol Genet Genomic Med, 2019 Sep;7:e904). This variant is considered to be rare based on population cohorts in the Genome Aggregation Database (gnomAD). In addition to the clinical data presented in the literature, this alteration is expected to result in loss of function by premature protein truncation or nonsense-mediated mRNA decay. As such, this alteration is interpreted as a disease-causing mutation.

Genome-Nilou Lab
Classification: Pathogenic for Neurofibromatosis, type 1. Last evaluated: 2022-03-15. Review status: criteria provided, single submitter. Criteria: ACMG Guidelines, 2015. Collection method: clinical testing. Allele origin: germline. Affected: no.

Provincial Medical Genetics Program of British Columbia, University of British Columbia
Classification: Pathogenic for Neurofibromatosis, type 1. Last evaluated: 2022-01-01. Review status: criteria provided, single submitter. Criteria: ACMG Guidelines, 2015. Collection method: clinical testing. Allele origin: maternal. Affected: yes.

Literature cited by the submitters: PubMed 10712197 (cited by Department of Medical Genetics, International Peace Maternity and Child Health Hospital, Shanghai Jiao Tong University School of Medicine); PubMed 23913538 (cited by Department of Medical Genetics, International Peace Maternity and Child Health Hospital, Shanghai Jiao Tong University School of Medicine).